The following is an entry in ClinVar:

ClinVar aggregate classification (germline): Likely pathogenic. Review status: criteria provided, single submitter (1 of 4 stars). 2 submissions from 2 submitters: Likely pathogenic (1). 1 of the submissions does not count toward it. Last evaluated 2023-08-29.

Conditions:
Severe combined immunodeficiency due to DCLRE1C deficiency (RS-SCID). Also called: SCID, AUTOSOMAL RECESSIVE, T CELL-NEGATIVE, B CELL-NEGATIVE, NK CELL-POSITIVE, WITH SENSITIVITY TO IONIZING RADIATION. Identifiers: Orphanet 275, MedGen C1865371, MONDO:0011225, OMIM 602450.

Allele frequency attached by ClinVar (database versions not stated): gnomAD exomes below 0.00001.
gnomAD v4.1: 1 of 1,613,648 alleles (0.000062%); highest among the groups gnomAD compares: South Asian, 0.0011%; no homozygotes.

Submissions (2):

Labcorp Genetics (formerly Invitae), Labcorp
Classification: Likely pathogenic for Athabaskan severe combined immunodeficiency. Last evaluated: 2023-08-29. Review status: criteria provided, single submitter. Criteria: Invitae Variant Classification Sherloc (09022015). Collection method: clinical testing. Allele origin: germline.
Comment: This sequence change affects a donor splice site in intron 10 of the DCLRE1C gene. It is expected to disrupt RNA splicing. Variants that disrupt the donor or acceptor splice site typically lead to a loss of protein function (PMID: 16199547), and loss-of-function variants in DCLRE1C are known to be pathogenic (PMID: 21664875, 26123418). This variant is not present in population databases (gnomAD no frequency). Disruption of this splice site has been observed in individual(s) with severe combined immunodeficiency (PMID: 11336668, 24144642). ClinVar contains an entry for this variant (Variation ID: 4669). Algorithms developed to predict the effect of sequence changes on RNA splicing suggest that this variant may disrupt the consensus splice site. In summary, the currently available evidence indicates that the variant is pathogenic, but additional data are needed to prove that conclusively. Therefore, this variant has been classified as Likely Pathogenic.

OMIM
Classification: Pathogenic for SEVERE COMBINED IMMUNODEFICIENCY WITH SENSITIVITY TO IONIZING RADIATION. Last evaluated: 2001-04-20. Review status: no assertion criteria provided. Collection method: literature only. Allele origin: germline. Not counted in ClinVar's aggregate classification.

Literature cited by the submitters: PubMed 16199547 (cited by Labcorp Genetics (formerly Invitae), Labcorp); PubMed 21664875 (cited by Labcorp Genetics (formerly Invitae), Labcorp); PubMed 26123418 (cited by Labcorp Genetics (formerly Invitae), Labcorp); PubMed 11336668 (cited by Labcorp Genetics (formerly Invitae), Labcorp and OMIM); PubMed 24144642 (cited by Labcorp Genetics (formerly Invitae), Labcorp).

NM_001033855.3(DCLRE1C):c.917+1G>A

Gene: DCLRE1C (DNA cross-link repair 1C; minus strand). Cytogenetic location: 10p13.
Variant type: single nucleotide variant.
Coding change: c.917+1G>A on transcript NM_001033855.3 (MANE Select); the canonical splice donor site of the intron after coding-DNA position 917, G replaced by A.
Molecular consequence: splice donor variant.
Genome position (GRCh38, 1-based): chr10:14,928,015, C>T on the plus strand (G>A on the coding strand, the complement: DCLRE1C is on the minus strand). VCF-style: chr10-14928015-C-T. GRCh37 (hg19) VCF-style: chr10-14970014-C-T.
Other names: IVS10DS, G-A, +1; c.572+1G>A (NM_001350966.2, NM_001289078.2, NM_001289076.2 and 1 more transcripts); c.917+1G>A (NM_001350965.2); c.557+1G>A (NM_001350967.2, NM_001289077.2, NM_001289079.2 and 2 more transcripts).
Identifiers: ClinVar variation 4669 (VCV000004669.7), dbSNP rs1564418254, ClinGen allele CA376055808.